The following is an entry in ClinVar:

ClinVar aggregate classification (germline): Conflicting classifications of pathogenicity. Review status: criteria provided, conflicting classifications (1 of 4 stars). 3 submissions from 2 submitters: Uncertain significance (2); Benign (1). Last evaluated 2018-01-13.

Conditions:
Maturity-onset diabetes of the young (MODY). Also called: Maturity onset diabetes mellitus in young. Identifiers: Orphanet 552, MedGen C0342276, MONDO:0018911, HP:0004904.
Maturity-onset diabetes of the young type 1. Also called: MODY type 1; Diabetes mellitus MODY type 1; MODY HNF4A related; MILD JUVENILE DIABETES MELLITUS; HNF4A-Related Maturity-Onset Diabetes of the Young Type 1; MODY, type I. Identifiers: Orphanet 552, MedGen C1852093, MONDO:0007452, OMIM 125850. Disease mechanism: loss of function.
Familial hyperinsulinism. Also called: Congenital hyperinsulinism. Identifiers: Orphanet 276525, MedGen C3888018, MONDO:0017182. Disease mechanism: loss of function.

Submissions (3):

Illumina Laboratory Services, Illumina
Classification: Uncertain significance for Familial hyperinsulinism. Last evaluated: 2018-01-13. Review status: criteria provided, single submitter. Criteria: ICSL Variant Classification Criteria 13 December 2019. Collection method: clinical testing. Allele origin: germline.

Illumina Laboratory Services, Illumina
Classification: Uncertain significance for Maturity-onset diabetes of the young type 1. Last evaluated: 2018-01-13. Review status: criteria provided, single submitter. Criteria: ICSL Variant Classification Criteria 13 December 2019. Collection method: clinical testing. Allele origin: germline.

Clinical Genomics, Uppaluri K&H Personalized Medicine Clinic
Classification: Benign for Maturity-onset diabetes of the young. Review status: criteria provided, single submitter. Criteria: K & H Uppaluri Personalized Medicine Clinic Variant Classification & Assertion Criteria_Updated V.1. Collection method: research. Allele origin: unknown. Inheritance: Autosomal dominant inheritance.
Comment: Potent mutations in HNF4A are associated with poor insulin secretion in response to hyperglycemia. Associated with MODY1. Patients initially respond well to sulfonylureas but eventually become insulin dependent. However, more evidence is required to ascertain the role of this particular variant rs2063876979 in MODY, yet.

Literature cited by the submitters: DOI 10.1159/000334532 (cited by Clinical Genomics, Uppaluri K&H Personalized Medicine Clinic); PubMed 18268044 (cited by Clinical Genomics, Uppaluri K&H Personalized Medicine Clinic); PubMed 17563455 (cited by Clinical Genomics, Uppaluri K&H Personalized Medicine Clinic); PubMed 32583173 (cited by Clinical Genomics, Uppaluri K&H Personalized Medicine Clinic); PubMed 35052457 (cited by Clinical Genomics, Uppaluri K&H Personalized Medicine Clinic); PubMed 35118593 (cited by Clinical Genomics, Uppaluri K&H Personalized Medicine Clinic).

NM_175914.5(HNF4A):c.*1809C>G

Gene: HNF4A (hepatocyte nuclear factor 4 alpha; plus strand). Cytogenetic location: 20q13.12.
Variant type: single nucleotide variant.
Coding change: c.*1809C>G on transcript NM_175914.5 (MANE Select); 1809 bases downstream of the stop codon, C replaced by G.
Molecular consequence: 3 prime UTR variant.
Genome position (GRCh38, 1-based): chr20:44,431,474, C>G. VCF-style: chr20-44431474-C-G. GRCh37 (hg19) VCF-style: chr20-43060114-C-G.
Other names: c.*1809C>G (NM_000457.6, NM_001030003.3, NM_001258355.2 and 3 more transcripts).
Identifiers: ClinVar variation 898453 (VCV000898453.5), dbSNP rs2063876979, ClinGen allele CA1139666701.
Genomic context (GRCh38, chr20:44,431,474, plus strand): 5'-TTCACTCCCCAAGTCAAGGGGAGGGGTGGCAGGGGTCTGTTTCCTGGAAGTCAGGCTCAT[C>G]TGGCCTGTTGGCATGGGGGTGGGACAGTGTGCACAGTGTGGGGGCAGGGGAGGGCTAAGC-3'